The following is an entry in ClinVar:

NM_001875.5(CPS1):c.3336+5G>A

Gene: CPS1 (carbamoyl-phosphate synthase 1; plus strand). Cytogenetic location: 2q34.
Variant type: single nucleotide variant.
Coding change: c.3336+5G>A on transcript NM_001875.5 (MANE Select); 5 bases into the intron after coding-DNA position 3336, G replaced by A.
Molecular consequence: intron variant.
Genome position (GRCh38, 1-based): chr2:210,648,062, G>A. VCF-style: chr2-210648062-G-A. GRCh37 (hg19) VCF-style: chr2-211512786-G-A.
Other names: c.3336+5G>A (NM_001369257.1, NM_001122633.3); c.3369+5G>A (NM_001369256.1).
Identifiers: ClinVar variation 2190289 (VCV002190289.4), dbSNP rs2469293627, ClinGen allele CA645539345.

ClinVar aggregate classification (germline): Uncertain significance (1 of 4 stars; one submission).

Conditions:
Congenital hyperammonemia, type I. Also called: CPS I DEFICIENCY; Carbamoyl-phosphate synthase I deficiency; Carbamoyl phosphate synthetase I deficiency disease; Carbamoyl phosphate synthetase 1 deficiency; Hyperammonemia due to carbamoyl phosphate synthetase 1 deficiency; CPS 1 deficiency. Identifiers: Orphanet 147, MedGen C4082171, MONDO:0009376, OMIM 237300.

Submission:

Labcorp Genetics (formerly Invitae), Labcorp
Classification: Uncertain significance for Congenital hyperammonemia, type I. Last evaluated: 2022-05-12. Review status: criteria provided, single submitter. Criteria: Invitae Variant Classification Sherloc (09022015). Collection method: clinical testing. Allele origin: germline.
Comment: This variant is not present in population databases (gnomAD no frequency). This variant has not been reported in the literature in individuals affected with CPS1-related conditions. This sequence change falls in intron 26 of the CPS1 gene. It does not directly change the encoded amino acid sequence of the CPS1 protein. It affects a nucleotide within the consensus splice site. Variants that disrupt the consensus splice site are a relatively common cause of aberrant splicing (PMID: 17576681, 9536098). Algorithms developed to predict the effect of sequence changes on RNA splicing suggest that this variant may create or strengthen a splice site. In summary, the available evidence is currently insufficient to determine the role of this variant in disease. Therefore, it has been classified as a Variant of Uncertain Significance.

Literature cited by the submitters: PubMed 17576681; PubMed 9536098.